The following is an entry in ClinVar:

NM_001134407.3(GRIN2A):c.3617G>A (p.Arg1206Gln)

Gene: GRIN2A (glutamate ionotropic receptor NMDA type subunit 2A; minus strand). Cytogenetic location: 16p13.2.
Variant type: single nucleotide variant.
Coding change: c.3617G>A on transcript NM_001134407.3 (MANE Select); coding-DNA position 3617, G replaced by A.
Protein change: p.Arg1206Gln; replaces arginine 1206 with glutamine.
Molecular consequence: missense variant.
Genome position (GRCh38, 1-based): chr16:9,763,927, C>T on the plus strand (G>A on the coding strand, the complement: GRIN2A is on the minus strand). VCF-style: chr16-9763927-C-T. GRCh37 (hg19) VCF-style: chr16-9857784-C-T.
Other names: c.3617G>A, p.Arg1206Gln (NM_000833.5, NM_001134408.2); short protein forms R1206Q.
Identifiers: ClinVar variation 3381239 (VCV003381239.2).

ClinVar aggregate classification (germline): Uncertain significance (1 of 4 stars; one submission).

Conditions:
Landau-Kleffner syndrome (FESD). Also called: EPILEPSY, FOCAL, WITH SPEECH DISORDER AND WITH OR WITHOUT MENTAL RETARDATION; APHASIA, ACQUIRED, WITH EPILEPSY. Identifiers: Orphanet 1945, Orphanet 725, Orphanet 98818, MedGen C0282512, MONDO:0009509, OMIM 245570.

gnomAD v4.1: 16 of 1,613,966 alleles (0.00099%); highest among the groups gnomAD compares: South Asian, 0.0055%; no homozygotes.

Submission:

Servicio de Genética Del Instituto Nacional de Salud Del Niño, Ministerio de Salud
Classification: Uncertain significance for Landau-Kleffner syndrome. Last evaluated: 2024-11-18. Review status: criteria provided, single submitter. Criteria: ACMG Guidelines, 2015. Collection method: clinical testing. Allele origin: germline. Inheritance: Autosomal dominant inheritance.
Comment: The variant NM_001134407.3:c.3617G>A, p.Arg1206Gln results in the substitution of arginine with glutamine at position 1206 in the protein. Arginine is a positively charged amino acid, while glutamine is neutral, which may impact the protein's function or stability. The variant is absent in population databases (PM2), suggesting it is not commonly observed in the general population. Based on these considerations, this variant is classified as uncertain significance.